The following is an entry in ClinVar:

ClinVar aggregate classification (germline): Likely benign (0 of 4 stars; one submission).

Conditions:
TARS1-related disorder. Also called: TARS1-related condition.

Submission:

PreventionGenetics, part of Exact Sciences
Classification: Likely benign for TARS1-related condition. Last evaluated: 2019-11-25. Review status: no assertion criteria provided. Collection method: clinical testing. Allele origin: germline.
Comment: This variant is classified as likely benign based on ACMG/AMP sequence variant interpretation guidelines (Richards et al. 2015 PMID: 25741868, with internal and published modifications).

NM_152295.5(TARS1):c.330-7_330-4del

Gene: TARS1 (threonyl-tRNA synthetase 1; plus strand). Cytogenetic location: 5p13.3.
Variant type: Deletion.
Coding change: c.330-7_330-4del on transcript NM_152295.5 (MANE Select); 7 bases into the intron before coding-DNA position 330 through 4 bases into the intron before coding-DNA position 330, 4 bases deleted (TTTT; older notation c.330-7_330-4delTTTT).
Molecular consequence: intron variant.
Genome position (GRCh38, 1-based): chr5:33,453,282-33,453,285, TTTT deleted; deleting any 4 consecutive bases within chr5:33,453,264-33,453,285 gives the same sequence; the c. name uses the placement nearest the transcript's 3' end. VCF-style (leftmost placement, unchanged base first): chr5-33453263-CTTTT-C. GRCh37 (hg19) VCF-style: chr5-33453368-CTTTT-C.
Other names: c.330-7_330-4del (NM_001258437.1); c.429-7_429-4del (NM_001258438.2).
Identifiers: ClinVar variation 3037841 (VCV003037841.2), dbSNP rs35931457, ClinGen allele CA3222994.